The following is an entry in ClinVar:

NM_001035.3(RYR2):c.293G>T (p.Trp98Leu)

Gene: RYR2 (ryanodine receptor 2; plus strand). Cytogenetic location: 1q43.
Variant type: single nucleotide variant.
Coding change: c.293G>T on transcript NM_001035.3 (MANE Select); coding-DNA position 293, G replaced by T.
Protein change: p.Trp98Leu; replaces tryptophan 98 with leucine.
Molecular consequence: missense variant.
Genome position (GRCh38, 1-based): chr1:237,355,984, G>T. VCF-style: chr1-237355984-G-T. GRCh37 (hg19) VCF-style: chr1-237519284-G-T.
Other names: short protein forms W98L.
Identifiers: ClinVar variation 4795277 (VCV004795277.1).

ClinVar aggregate classification (germline): Uncertain significance (1 of 4 stars; one submission).

Submission:

GeneDx
Classification: Uncertain significance. Last evaluated: 2025-08-14. Review status: criteria provided, single submitter. Criteria: GeneDx Variant Classification Process June 2021. Collection method: clinical testing. Allele origin: germline. Affected: yes.
Comment: Not observed at significant frequency in large population cohorts (gnomAD); In silico analysis supports that this missense variant has a deleterious effect on protein structure/function; Located in one of the three hot-spot regions of the RYR2 gene, where the majority of pathogenic missense variants occur (PMID: 19926015); Has not been previously published as pathogenic or benign to our knowledge; This variant is associated with the following publications: (PMID: 19926015)